The following is an entry in ClinVar:

NM_018136.5(ASPM):c.8599del (p.Gln2867fs)

Gene: ASPM (assembly factor for spindle microtubules; minus strand). Cytogenetic location: 1q31.3.
Variant type: Deletion.
Coding change: c.8599del on transcript NM_018136.5 (MANE Select); coding-DNA position 8599, one base deleted (C; older notation c.8599delC).
Protein change: p.Gln2867fs; shifts the reading frame from glutamine 2867.
Molecular consequence: frameshift variant. On other transcripts: intron variant (1).
Genome position (GRCh38, 1-based): chr1:197,100,652, G deleted on the plus strand (C on the coding strand, the reverse complement: ASPM is on the minus strand). VCF-style (leftmost placement, unchanged base first): chr1-197100651-TG-T. GRCh37 (hg19) VCF-style: chr1-197069781-TG-T.
Other names: c.4066-4488del (NM_001206846.2); short protein forms Q2867fs.
Identifiers: ClinVar variation 234674 (VCV000234674.1), dbSNP rs876661154, ClinGen allele CA10577218.

ClinVar aggregate classification (germline): Pathogenic (1 of 4 stars; one submission).

Submission:

GeneDx
Classification: Pathogenic. Last evaluated: 2015-12-15. Review status: criteria provided, single submitter. Criteria: GeneDx Variant Classification (06012015). Collection method: clinical testing. Allele origin: germline. Affected: yes.
Comment: The c.8599delCinsAT pathogenic variant causes a frameshift starting with codon Glutamine 2867, changes this amino acid to an Isoleucine residue and creates a premature Stop codon at position 5 of the new reading frame, denoted p.Gln2867IlefsX5. This pathogenic variant is predicted to cause loss of normal protein function either through protein truncation or nonsense-mediated mRNA decay. Although this pathogenic variant has not been previously reported to our knowledge, other frameshift variants have been reported in the ASPM gene in association with primary microcephaly (Stenson et al., 2014).